The following is an entry in ClinVar:

ClinVar aggregate classification (germline): Uncertain significance (1 of 4 stars; one submission).

Allele frequency attached by ClinVar (database versions not stated): ExAC 0.00001; TOPMed 0.00002; ESP Exome Variant Server 0.00008.
gnomAD v4.1: 11 of 1,614,108 alleles (0.00068%); highest among the groups gnomAD compares: African/African-American, 0.0093%; no homozygotes.

Submission:

Labcorp Genetics (formerly Invitae), Labcorp
Classification: Uncertain significance. Last evaluated: 2024-04-25. Review status: criteria provided, single submitter. Criteria: Invitae Variant Classification Sherloc (09022015). Collection method: clinical testing. Allele origin: germline.
Comment: This sequence change replaces threonine, which is neutral and polar, with isoleucine, which is neutral and non-polar, at codon 1283 of the BPTF protein (p.Thr1283Ile). This variant is present in population databases (rs372625079, gnomAD 0.006%). This variant has not been reported in the literature in individuals affected with BPTF-related conditions. ClinVar contains an entry for this variant (Variation ID: 2053385). An algorithm developed to predict the effect of missense changes on protein structure and function (PolyPhen-2) suggests that this variant is likely to be tolerated. In summary, the available evidence is currently insufficient to determine the role of this variant in disease. Therefore, it has been classified as a Variant of Uncertain Significance.

NM_182641.4(BPTF):c.3470C>T (p.Thr1157Ile)

Gene: BPTF (bromodomain PHD finger transcription factor; plus strand). Cytogenetic location: 17q24.2.
Variant type: single nucleotide variant.
Coding change: c.3470C>T on transcript NM_182641.4 (MANE Select); coding-DNA position 3470, C replaced by T.
Protein change: p.Thr1157Ile; replaces threonine 1157 with isoleucine.
Molecular consequence: missense variant.
Genome position (GRCh38, 1-based): chr17:67,911,354, C>T. VCF-style: chr17-67911354-C-T. GRCh37 (hg19) VCF-style: chr17-65907470-C-T.
Other names: c.3848C>T, p.Thr1283Ile (NM_004459.7); short protein forms T1157I, T1283I.
Identifiers: ClinVar variation 2053385 (VCV002053385.4), dbSNP rs372625079, ClinGen allele CA8725640.